The following is an entry in ClinVar:

NM_015346.4(ZFYVE26):c.7371+6C>G

Gene: ZFYVE26 (zinc finger FYVE-type containing 26; minus strand). Cytogenetic location: 14q24.1.
Variant type: single nucleotide variant.
Coding change: c.7371+6C>G on transcript NM_015346.4 (MANE Select); 6 bases into the intron after coding-DNA position 7371, C replaced by G.
Molecular consequence: intron variant.
Genome position (GRCh38, 1-based): chr14:67,752,338, G>C on the plus strand (C>G on the coding strand, the complement: ZFYVE26 is on the minus strand). VCF-style: chr14-67752338-G-C. GRCh37 (hg19) VCF-style: chr14-68219055-G-C.
Identifiers: ClinVar variation 518025 (VCV000518025.7), dbSNP rs894907950, ClinGen allele CA262811780.

ClinVar aggregate classification (germline): Conflicting classifications of pathogenicity. Review status: criteria provided, conflicting classifications (1 of 4 stars). 2 submissions from 2 submitters: Uncertain significance (1); Likely benign (1). Last evaluated 2021-10-14.

Conditions:
Spastic paraplegia. Identifiers: MedGen C0037772, HP:0001258.

Allele frequency attached by ClinVar (database versions not stated): TOPMed 0.00003.
gnomAD v4.1: 29 of 1,607,634 alleles (0.0018%); highest among the groups gnomAD compares: Non-Finnish European, 0.0025%; no homozygotes.

Submissions (2):

Labcorp Genetics (formerly Invitae), Labcorp
Classification: Uncertain significance for Spastic paraplegia. Last evaluated: 2021-10-14. Review status: criteria provided, single submitter. Criteria: Invitae Variant Classification Sherloc (09022015). Collection method: clinical testing. Allele origin: germline.
Comment: This sequence change falls in intron 40 of the ZFYVE26 gene. It does not directly change the encoded amino acid sequence of the ZFYVE26 protein. It affects a nucleotide within the consensus splice site of the intron. This variant is not present in population databases (ExAC no frequency). This variant has not been reported in the literature in individuals affected with ZFYVE26-related conditions. ClinVar contains an entry for this variant (Variation ID: 518025). Variants that disrupt the consensus splice site are a relatively common cause of aberrant splicing (PMID: 17576681, 9536098). Algorithms developed to predict the effect of sequence changes on RNA splicing suggest that this variant is not likely to affect RNA splicing. In summary, the available evidence is currently insufficient to determine the role of this variant in disease. Therefore, it has been classified as a Variant of Uncertain Significance.

GeneDx
Classification: Likely benign. Last evaluated: 2018-10-02. Review status: criteria provided, single submitter. Criteria: GeneDx Variant Classification Process June 2021. Collection method: clinical testing. Allele origin: germline. Affected: yes.

Literature cited by the submitters: PubMed 17576681 (cited by Labcorp Genetics (formerly Invitae), Labcorp); PubMed 9536098 (cited by Labcorp Genetics (formerly Invitae), Labcorp).